The following is an entry in ClinVar:

NM_000836.4(GRIN2D):c.3243C>G (p.Gly1081=)

Gene: GRIN2D (glutamate ionotropic receptor NMDA type subunit 2D; plus strand). Cytogenetic location: 19q13.33.
Variant type: single nucleotide variant.
Coding change: c.3243C>G on transcript NM_000836.4 (MANE Select); coding-DNA position 3243, C replaced by G.
Protein change: p.Gly1081=; no amino-acid change (glycine 1081 retained).
Molecular consequence: synonymous variant.
Genome position (GRCh38, 1-based): chr19:48,443,169, C>G. VCF-style: chr19-48443169-C-G. GRCh37 (hg19) VCF-style: chr19-48946426-C-G.
Other names: c.3243C>G (NM_000836.2).
Identifiers: ClinVar variation 4534630 (VCV004534630.7).

ClinVar aggregate classification (germline): Likely benign. Review status: criteria provided, multiple submitters, no conflicts (2 of 4 stars). 2 submissions from 2 submitters: Likely benign (2). Last evaluated 2025-11-01.

Conditions:
GRIN2D-related disorder. Also called: GRIN2D-related condition.

gnomAD v4.1: 2 of 1,027,410 alleles (0.00019%); highest among the groups gnomAD compares: Non-Finnish European, 0.00023%; no homozygotes.

Submissions (2):

CeGaT Center for Human Genetics Tuebingen
Classification: Likely benign. Last evaluated: 2025-11-01. Review status: criteria provided, single submitter. Criteria: CeGaT Center For Human Genetics Tuebingen Variant Classification Criteria Version 2. Collection method: clinical testing. Allele origin: germline. Affected: yes. Observed: 2 variant alleles.
Comment: GRIN2D: BP4, BP7

PreventionGenetics, part of Exact Sciences
Classification: Likely benign for GRIN2D-related condition. Last evaluated: 2025-01-04. Review status: criteria provided, single submitter. Criteria: ACMG Guidelines, 2015. Collection method: clinical testing. Allele origin: germline.
Comment: This variant is classified as likely benign based on ACMG/AMP sequence variant interpretation guidelines (Richards et al. 2015 PMID: 25741868, with internal and published modifications).